The following is an entry in ClinVar:

ClinVar aggregate classification (germline): Uncertain significance. Review status: criteria provided, multiple submitters, no conflicts (2 of 4 stars). 2 submissions from 2 submitters: Uncertain significance (2). Last evaluated 2024-08-31.

Submissions (2):

Labcorp Genetics (formerly Invitae), Labcorp
Classification: Uncertain significance. Last evaluated: 2024-08-31. Review status: criteria provided, single submitter. Criteria: Invitae Variant Classification Sherloc (09022015). Collection method: clinical testing. Allele origin: germline.
Comment: This sequence change replaces glycine, which is neutral and non-polar, with arginine, which is basic and polar, at codon 155 of the COL4A4 protein (p.Gly155Arg). This variant is not present in population databases (gnomAD no frequency). This variant has not been reported in the literature in individuals affected with COL4A4-related conditions. Invitae Evidence Modeling of protein sequence and biophysical properties (such as structural, functional, and spatial information, amino acid conservation, physicochemical variation, residue mobility, and thermodynamic stability) indicates that this missense variant is expected to disrupt COL4A4 protein function with a positive predictive value of 95%. In summary, the available evidence is currently insufficient to determine the role of this variant in disease. Therefore, it has been classified as a Variant of Uncertain Significance.

GeneDx
Classification: Uncertain significance. Last evaluated: 2024-05-20. Review status: criteria provided, single submitter. Criteria: GeneDx Variant Classification Process June 2021. Collection method: clinical testing. Allele origin: germline. Affected: yes.
Comment: Has not been previously published as pathogenic or benign to our knowledge; Not observed at significant frequency in large population cohorts (gnomAD); Affects a glycine residue in a Gly-X-Y motif in the triple helical region of the COL4A4 gene; In silico analysis supports that this missense variant has a deleterious effect on protein structure/function

NM_000092.5(COL4A4):c.463G>A (p.Gly155Arg)

Gene: COL4A4 (collagen type IV alpha 4 chain; minus strand). Cytogenetic location: 2q36.3.
Variant type: single nucleotide variant.
Coding change: c.463G>A on transcript NM_000092.5 (MANE Select); coding-DNA position 463, G replaced by A.
Protein change: p.Gly155Arg; replaces glycine 155 with arginine.
Molecular consequence: missense variant.
Genome position (GRCh38, 1-based): chr2:227,118,671, C>T on the plus strand (G>A on the coding strand, the complement: COL4A4 is on the minus strand). VCF-style: chr2-227118671-C-T. GRCh37 (hg19) VCF-style: chr2-227983387-C-T.
Other names: short protein forms G155R.
Identifiers: ClinVar variation 3381614 (VCV003381614.3).